The following is an entry in ClinVar:

ClinVar aggregate classification (germline): Benign (1 of 4 stars; one submission).

Allele frequency attached by ClinVar (database versions not stated): 1000 Genomes Project 30x 0.30450; gnomAD 0.41950 and 0.42122.

Submission:

GeneDx
Classification: Benign. Last evaluated: 2018-06-18. Review status: criteria provided, single submitter. Criteria: GeneDx Variant Classification (06012015). Collection method: clinical testing. Allele origin: germline. Affected: yes.
Comment: This variant is considered likely benign or benign based on one or more of the following criteria: it is a conservative change, it occurs at a poorly conserved position in the protein, it is predicted to be benign by multiple in silico algorithms, and/or has population frequency not consistent with disease.

NM_002860.4(ALDH18A1):c.1923+303_1923+304insCG

Genes: ALDH18A1 (aldehyde dehydrogenase 18 family member A1; minus strand), LOC121815958 (Sharpr-MPRA regulatory region 3716; plus strand). Cytogenetic location: 10q24.1.
Variant type: Insertion.
Coding change: c.1923+303_1923+304insCG on transcript NM_002860.4 (MANE Select); bases 303 to 304 of the intron after coding-DNA position 1923, CG inserted.
Molecular consequence: intron variant.
Genome position: GRCh38 VCF-style: chr10-95613438-A-ACG. GRCh37 (hg19) VCF-style: chr10-97373195-A-ACG.
Other names: c.1287+303_1287+304insCG (NM_001323419.2); c.1590+303_1590+304insCG (NM_001323412.2, NM_001323416.2); c.1818+303_1818+304insCG (NM_001323417.2); c.1917+303_1917+304insCG (NM_001017423.2, NM_001323415.2); c.1584+303_1584+304insCG (NM_001323418.2); c.1923+303_1923+304insCG (NM_001323413.2, NM_001323414.2).
Identifiers: ClinVar variation 683040 (VCV000683040.1), dbSNP rs200424062, ClinGen allele CA211788596.